The following is an entry in ClinVar:

ClinVar aggregate classification (germline): Uncertain significance. Review status: criteria provided, multiple submitters, no conflicts (2 of 4 stars). 2 submissions from 2 submitters: Uncertain significance (2). Last evaluated 2024-02-24.

Conditions:
Myeloproliferative neoplasm, unclassifiable. Identifiers: Orphanet 86830, MedGen C1333046, MONDO:0019452.

Submissions (2):

Labcorp Genetics (formerly Invitae), Labcorp
Classification: Uncertain significance. Last evaluated: 2024-02-24. Review status: criteria provided, single submitter. Criteria: Invitae Variant Classification Sherloc (09022015). Collection method: clinical testing. Allele origin: germline.
Comment: This sequence change replaces glycine, which is neutral and non-polar, with cysteine, which is neutral and slightly polar, at codon 254 of the TCF3 protein (p.Gly254Cys). This variant is not present in population databases (gnomAD no frequency). This variant has not been reported in the literature in individuals affected with TCF3-related conditions. ClinVar contains an entry for this variant (Variation ID: 1705893). An algorithm developed to predict the effect of missense changes on protein structure and function (PolyPhen-2) suggests that this variant is likely to be disruptive. In summary, the available evidence is currently insufficient to determine the role of this variant in disease. Therefore, it has been classified as a Variant of Uncertain Significance.

Dept. of Cytogenetics, ICMR- National Institute of Immunohaematology
Classification: Uncertain significance for Myeloproliferative neoplasm, unclassifiable. Last evaluated: 2022-08-25. Review status: criteria provided, single submitter. Criteria: Oncogenicity SOP (ClinGen, CGC, VICC guidelines) 2022. Collection method: clinical testing. Allele origin: somatic. Affected: yes. Observed: 2 variant alleles.

NM_003200.5(TCF3):c.760G>T (p.Gly254Cys)

Gene: TCF3 (transcription factor 3; minus strand). Cytogenetic location: 19p13.3.
Variant type: single nucleotide variant.
Coding change: c.760G>T on transcript NM_003200.5 (MANE Select); coding-DNA position 760, G replaced by T.
Protein change: p.Gly254Cys; replaces glycine 254 with cysteine.
Molecular consequence: missense variant.
Genome position (GRCh38, 1-based): chr19:1,622,116, C>A on the plus strand (G>T on the coding strand, the complement: TCF3 is on the minus strand). VCF-style: chr19-1622116-C-A. GRCh37 (hg19) VCF-style: chr19-1622115-C-A.
Other names: c.760G>T, p.Gly254Cys (NM_001136139.4, NM_001351778.2, NM_001351779.2); short protein forms G254C.
Identifiers: ClinVar variation 1705893 (VCV001705893.7), dbSNP rs759917180, ClinGen allele CA403055570.